The following is an entry in ClinVar:

ClinVar aggregate classification (germline): Uncertain significance (1 of 4 stars; one submission).

Allele frequency attached by ClinVar (database versions not stated): gnomAD 0.00001; gnomAD exomes 0.00001; TOPMed 0.00002; ESP Exome Variant Server 0.00008.
gnomAD v4.1: 5 of 1,570,494 alleles (0.00032%); highest among the groups gnomAD compares: African/African-American, 0.0014%; no homozygotes.

Submission:

Women's Health and Genetics/Laboratory Corporation of America, LabCorp
Classification: Uncertain significance. Last evaluated: 2024-01-15. Review status: criteria provided, single submitter. Criteria: LabCorp Variant Classification Summary - May 2015. Collection method: clinical testing. Allele origin: germline.
Comment: Variant summary: STAG1 c.2371-8T>C alters a non-conserved nucleotide located close to a canonical splice site and therefore could affect mRNA splicing, leading to a significantly altered protein sequence. Consensus agreement among computation tools predict no significant impact on normal splicing. However, these predictions have yet to be confirmed by functional studies. The variant allele was found at a frequency of 4.8e-06 in 208956 control chromosomes (gnomAD). The available data on variant occurrences in the general population are insufficient to allow any conclusion about variant significance. To our knowledge, no occurrence of c.2371-8T>C in individuals affected with Mental Retardation, Autosomal Dominant 47 and no experimental evidence demonstrating its impact on protein function have been reported. No submitters have cited clinical-significance assessments for this variant to ClinVar. Based on the evidence outlined above, the variant was classified as uncertain significance.

NM_005862.3(STAG1):c.2371-8T>C

Gene: STAG1 (STAG1 cohesin complex component; minus strand). Cytogenetic location: 3q22.3.
Variant type: single nucleotide variant.
Coding change: c.2371-8T>C on transcript NM_005862.3 (MANE Select); 8 bases into the intron before coding-DNA position 2371, T replaced by C.
Molecular consequence: intron variant.
Genome position (GRCh38, 1-based): chr3:136,369,290, A>G on the plus strand (T>C on the coding strand, the complement: STAG1 is on the minus strand). VCF-style: chr3-136369290-A-G. GRCh37 (hg19) VCF-style: chr3-136088132-A-G.
Identifiers: ClinVar variation 3063925 (VCV003063925.1), dbSNP rs377654737, ClinGen allele CA83804294.